The following is an entry in ClinVar:

ClinVar aggregate classification (germline): Uncertain significance (1 of 4 stars; one submission).

Allele frequency attached by ClinVar (database versions not stated): gnomAD 0.00001; TOPMed 0.00003.
gnomAD v4.1: 5 of 1,614,034 alleles (0.00031%); highest among the groups gnomAD compares: African/African-American, 0.004%; no homozygotes.

Submission:

Labcorp Genetics (formerly Invitae), Labcorp
Classification: Uncertain significance. Last evaluated: 2022-03-13. Review status: criteria provided, single submitter. Criteria: Invitae Variant Classification Sherloc (09022015). Collection method: clinical testing. Allele origin: germline.
Comment: This sequence change replaces threonine, which is neutral and polar, with threonine, which is neutral and polar, at codon 924 of the ERCC6 protein (Silent). This variant is present in population databases (no rsID available, gnomAD 0.004%). This variant has not been reported in the literature in individuals affected with ERCC6-related conditions. Algorithms developed to predict the effect of sequence changes on RNA splicing suggest that this variant is not likely to affect RNA splicing. In summary, the available evidence is currently insufficient to determine the role of this variant in disease. Therefore, it has been classified as a Variant of Uncertain Significance.

NM_000124.4(ERCC6):c.2772G>A (p.Thr924=)

Genes: ERCC6 (ERCC excision repair 6, chromatin remodeling factor; minus strand), LOC126860933 (BRD4-independent group 4 enhancer GRCh37_chr10:50679962-50681161; plus strand). Cytogenetic location: 10q11.23.
Variant type: single nucleotide variant.
Coding change: c.2772G>A on transcript NM_000124.4 (MANE Select); coding-DNA position 2772, G replaced by A.
Protein change: p.Thr924=; no amino-acid change (threonine 924 retained).
Molecular consequence: synonymous variant.
Genome position (GRCh38, 1-based): chr10:49,472,966, C>T on the plus strand (G>A on the coding strand, the complement: ERCC6 is on the minus strand). VCF-style: chr10-49472966-C-T. GRCh37 (hg19) VCF-style: chr10-50681012-C-T.
Other names: c.2772G>A, p.Thr924= (NM_001346440.2).
Identifiers: ClinVar variation 2138970 (VCV002138970.1), dbSNP rs961726619, ClinGen allele CA206586758.